The following is an entry in ClinVar:

NM_014391.3(ANKRD1):c.451G>A (p.Glu151Lys)

Gene: ANKRD1 (ankyrin repeat domain 1; minus strand). Cytogenetic location: 10q23.31.
Variant type: single nucleotide variant.
Coding change: c.451G>A on transcript NM_014391.3 (MANE Select); coding-DNA position 451, G replaced by A.
Protein change: p.Glu151Lys; replaces glutamic acid 151 with lysine.
Molecular consequence: missense variant.
Genome position (GRCh38, 1-based): chr10:90,918,867, C>T on the plus strand (G>A on the coding strand, the complement: ANKRD1 is on the minus strand). VCF-style: chr10-90918867-C-T. GRCh37 (hg19) VCF-style: chr10-92678624-C-T.
Other names: short protein forms E151K.
Identifiers: ClinVar variation 4776773 (VCV004776773.1).

ClinVar aggregate classification (germline): Uncertain significance (1 of 4 stars; one submission).

Conditions:
ANKRD1-related dilated cardiomyopathy. Identifiers: MedGen CN119551.

Submission:

Labcorp Genetics (formerly Invitae), Labcorp
Classification: Uncertain significance for ANKRD1-related dilated cardiomyopathy. Last evaluated: 2025-03-05. Review status: criteria provided, single submitter. Criteria: Invitae Variant Classification Sherloc (09022015). Collection method: clinical testing. Allele origin: germline.
Comment: This sequence change replaces glutamic acid, which is acidic and polar, with lysine, which is basic and polar, at codon 151 of the ANKRD1 protein (p.Glu151Lys). This variant is not present in population databases (gnomAD no frequency). This variant has not been reported in the literature in individuals affected with ANKRD1-related conditions. An algorithm developed to predict the effect of missense changes on protein structure and function (PolyPhen-2) suggests that this variant is likely to be tolerated. In summary, the available evidence is currently insufficient to determine the role of this variant in disease. Therefore, it has been classified as a Variant of Uncertain Significance.